The following is an entry in ClinVar:

ClinVar aggregate classification (germline): Uncertain significance (1 of 4 stars; one submission).

Submission:

GeneDx
Classification: Uncertain significance. Last evaluated: 2026-09-14. Review status: criteria provided, single submitter. Criteria: GeneDx Variant Classification Process June 2021. Collection method: clinical testing. Allele origin: germline.
Comment: Not observed at significant frequency in large population cohorts (gnomAD); In silico analysis supports that this missense variant does not alter protein structure/function; Has not been previously published as pathogenic or benign to our knowledge

NM_003128.3(SPTBN1):c.1294G>A (p.Ala432Thr)

Gene: SPTBN1 (spectrin beta, non-erythrocytic 1; plus strand). Cytogenetic location: 2p16.2.
Variant type: single nucleotide variant.
Coding change: c.1294G>A on transcript NM_003128.3 (MANE Select); coding-DNA position 1294, G replaced by A.
Protein change: p.Ala432Thr; replaces alanine 432 with threonine.
Molecular consequence: missense variant.
Genome position (GRCh38, 1-based): chr2:54,624,915, G>A. VCF-style: chr2-54624915-G-A. GRCh37 (hg19) VCF-style: chr2-54852052-G-A.
Other names: c.1255G>A, p.Ala419Thr (NM_178313.3); short protein forms A419T, A432T.
Identifiers: ClinVar variation 3365057 (VCV003365057.2).
Genomic context (GRCh38, chr2:54,624,915, plus strand): 5'-AATGAGCTCATAAGACAGGAGAAACTGGAACAGCTCGCCCGCAGATTTGATCGCAAGGCA[G>A]CTATGAGGGAGACTTGGCTGAGCGAAAACCAGCGTCTGGTGTCTCAGGTTCTGCTCTTGA-3'
Protein context (NP_003119.2, residues 422-442): QLARRFDRKA[Ala432Thr]MRETWLSENQ